The following is an entry in ClinVar:

NM_004100.5(EYA4):c.605T>C (p.Ile202Thr)

Gene: EYA4 (EYA transcriptional coactivator and phosphatase 4; plus strand). Cytogenetic location: 6q23.2.
Variant type: single nucleotide variant.
Coding change: c.605T>C on transcript NM_004100.5 (MANE Select); coding-DNA position 605, T replaced by C.
Protein change: p.Ile202Thr; replaces isoleucine 202 with threonine.
Molecular consequence: missense variant.
Genome position (GRCh38, 1-based): chr6:133,462,645, T>C. VCF-style: chr6-133462645-T-C. GRCh37 (hg19) VCF-style: chr6-133783783-T-C.
Other names: c.605T>C, p.Ile202Thr (NM_172105.4, NM_001301013.2); c.536T>C, p.Ile179Thr (NM_172103.4, NM_001370458.1); c.443T>C, p.Ile148Thr (NM_001301012.2, NM_001370459.1); short protein forms I179T, I202T, I148T.
Identifiers: ClinVar variation 4614154 (VCV004614154.1).

ClinVar aggregate classification (germline): Uncertain significance (1 of 4 stars; one submission).

Conditions:
Cardiovascular phenotype. Identifiers: MedGen CN230736.

Submission:

Ambry Genetics
Classification: Uncertain significance for Cardiovascular phenotype. Last evaluated: 2025-09-17. Review status: criteria provided, single submitter. Criteria: Ambry Variant Classification Scheme 2023. Collection method: clinical testing. Allele origin: germline.
Comment: The p.I202T variant (also known as c.605T>C), located in coding exon 8 of the EYA4 gene, results from a T to C substitution at nucleotide position 605. The isoleucine at codon 202 is replaced by threonine, an amino acid with similar properties. This amino acid position is conserved. In addition, this alteration is predicted to be deleterious by in silico analysis. Based on the available evidence, the clinical significance of this variant remains unclear.